The following is an entry in ClinVar:

NM_015932.6(POMP):c.146A>G (p.Glu49Gly)

Gene: POMP (proteasome maturation protein; plus strand). Cytogenetic location: 13q12.3.
Variant type: single nucleotide variant.
Coding change: c.146A>G on transcript NM_015932.6 (MANE Select); coding-DNA position 146, A replaced by G.
Protein change: p.Glu49Gly; replaces glutamic acid 49 with glycine.
Molecular consequence: missense variant.
Genome position (GRCh38, 1-based): chr13:28,664,553, A>G. VCF-style: chr13-28664553-A-G. GRCh37 (hg19) VCF-style: chr13-29238690-A-G.
Other names: short protein forms E49G.
Identifiers: ClinVar variation 1715147 (VCV001715147.5), dbSNP rs2541634856, ClinGen allele CA387802543.

ClinVar aggregate classification (germline): Uncertain significance (1 of 4 stars; one submission).

Submission:

Labcorp Genetics (formerly Invitae), Labcorp
Classification: Uncertain significance. Last evaluated: 2022-08-05. Review status: criteria provided, single submitter. Criteria: Invitae Variant Classification Sherloc (09022015). Collection method: clinical testing. Allele origin: germline.
Comment: This sequence change replaces glutamic acid, which is acidic and polar, with glycine, which is neutral and non-polar, at codon 49 of the POMP protein (p.Glu49Gly). This variant is not present in population databases (gnomAD no frequency). In summary, the available evidence is currently insufficient to determine the role of this variant in disease. Therefore, it has been classified as a Variant of Uncertain Significance. Algorithms developed to predict the effect of missense changes on protein structure and function are either unavailable or do not agree on the potential impact of this missense change (SIFT: "Deleterious"; PolyPhen-2: "Probably Damaging"; Align-GVGD: "Class C15"). This variant has not been reported in the literature in individuals affected with POMP-related conditions.